The following is an entry in ClinVar:

NM_001846.4(COL4A2):c.3977G>A (p.Gly1326Glu)

Genes: COL4A2 (collagen type IV alpha 2 chain; plus strand), COL4A2-AS1 (COL4A2 antisense RNA 1; minus strand). Cytogenetic location: 13q34.
Variant type: single nucleotide variant.
Coding change: c.3977G>A on transcript NM_001846.4 (MANE Select); coding-DNA position 3977, G replaced by A.
Protein change: p.Gly1326Glu; replaces glycine 1326 with glutamic acid.
Molecular consequence: missense variant.
Genome position (GRCh38, 1-based): chr13:110,503,220, G>A. VCF-style: chr13-110503220-G-A. GRCh37 (hg19) VCF-style: chr13-111155567-G-A.
Other names: short protein forms G1326E.
Identifiers: ClinVar variation 3342882 (VCV003342882.1).

ClinVar aggregate classification (germline): Likely pathogenic (1 of 4 stars; one submission).

Submission:

GeneDx
Classification: Likely pathogenic. Last evaluated: 2024-03-27. Review status: criteria provided, single submitter. Criteria: GeneDx Variant Classification Process June 2021. Collection method: clinical testing. Allele origin: germline. Affected: yes.
Comment: Has not been previously published as pathogenic or benign to our knowledge; Affects a glycine residue in a Gly-X-Y motif in the triple helical region of the COL4A gene, where the majority of pathogenic missense variants occur, and is predicted to disrupt normal protein folding and function (Stenson et al., 2014; Weng et al., 2012; Yoneda et al., 2013); Not observed at significant frequency in large population cohorts (gnomAD); In silico analysis supports that this missense variant has a deleterious effect on protein structure/function; This variant is associated with the following publications: (PMID: 22522439, 23225343, 24077912)